The following is an entry in ClinVar:

NM_145059.3(FCSK):c.1928G>A (p.Cys643Tyr)

Gene: FCSK (fucose kinase; plus strand). Cytogenetic location: 16q22.1.
Variant type: single nucleotide variant.
Coding change: c.1928G>A on transcript NM_145059.3 (MANE Select); coding-DNA position 1928, G replaced by A.
Protein change: p.Cys643Tyr; replaces cysteine 643 with tyrosine.
Molecular consequence: missense variant.
Genome position (GRCh38, 1-based): chr16:70,474,279, G>A. VCF-style: chr16-70474279-G-A. GRCh37 (hg19) VCF-style: chr16-70508182-G-A.
Other names: short protein forms C643Y.
Identifiers: ClinVar variation 1914108 (VCV001914108.5), dbSNP rs936106517, ClinGen allele CA283471841.
Genomic context (GRCh38, chr16:70,474,279, plus strand): 5'-GCTTGCGGAGCGGGCCAGCTGCCAACCCTGAGTGGATGCGGCCCTTCTCATACCTGGAGT[G>A]TGGAGACCTGGCAGCGGGCGTGGAGGCGCTTGCCCAGGAGAGGGACAAGTGGCTAAGCAG-3'
Protein context (NP_659496.2, residues 633-653): EWMRPFSYLE[Cys643Tyr]GDLAAGVEAL

ClinVar aggregate classification (germline): Uncertain significance (1 of 4 stars; one submission).

Allele frequency attached by ClinVar (database versions not stated): gnomAD 0.00001; TOPMed 0.00002.
gnomAD v4.1: 7 of 1,613,380 alleles (0.00043%); highest among the groups gnomAD compares: Admixed American, 0.0083%; no homozygotes.

Submission:

Labcorp Genetics (formerly Invitae), Labcorp
Classification: Uncertain significance. Last evaluated: 2022-08-21. Review status: criteria provided, single submitter. Criteria: Invitae Variant Classification Sherloc (09022015). Collection method: clinical testing. Allele origin: germline.
Comment: In summary, the available evidence is currently insufficient to determine the role of this variant in disease. Therefore, it has been classified as a Variant of Uncertain Significance. Algorithms developed to predict the effect of missense changes on protein structure and function (SIFT, PolyPhen-2, Align-GVGD) all suggest that this variant is likely to be tolerated. This variant has not been reported in the literature in individuals affected with FUK-related conditions. This variant is present in population databases (no rsID available, gnomAD 0.01%). This sequence change replaces cysteine, which is neutral and slightly polar, with tyrosine, which is neutral and polar, at codon 643 of the FUK protein (p.Cys643Tyr).